The following is an entry in ClinVar:

ClinVar aggregate classification (germline): Pathogenic (1 of 4 stars; one submission).

Conditions:
Breast-ovarian cancer, familial, susceptibility to, 2 (BROVCA2). Also called: BRCA2 Hereditary Breast and Ovarian Cancer. Identifiers: Orphanet 145, MedGen C2675520, MONDO:0012933, OMIM 612555. Disease mechanism: loss of function.

Submission:

Myriad Genetics, Inc.
Classification: Pathogenic for Breast-ovarian cancer, familial, susceptibility to, 2. Last evaluated: 2023-05-15. Review status: criteria provided, single submitter. Criteria: Myriad Autosomal Dominant, Autosomal Recessive and X-Linked Classification Criteria (2023). Collection method: clinical testing. Allele origin: unknown.
Comment: This variant is considered pathogenic. This variant creates a frameshift predicted to result in premature protein truncation.

NM_000059.4(BRCA2):c.1501_1502dup (p.Lys502fs)

Gene: BRCA2 (BRCA2 DNA repair associated; plus strand). Cytogenetic location: 13q13.1.
Variant type: Duplication.
Coding change: c.1501_1502dup on transcript NM_000059.4 (MANE Select); coding-DNA positions 1501 to 1502, 2 bases duplicated (AT; older notation c.1501_1502dupAT).
Protein change: p.Lys502fs; shifts the reading frame from lysine 502.
Molecular consequence: frameshift variant. On other transcripts: non-coding transcript variant (1), intron variant (1).
Genome position (GRCh38, 1-based): chr13:32,332,979-32,332,980, AT duplicated; duplicating any 2 consecutive bases within chr13:32,332,978-32,332,980 gives the same sequence; the c. name uses the placement nearest the transcript's 3' end. VCF-style (leftmost placement, unchanged base first): chr13-32332977-G-GTA. GRCh37 (hg19) VCF-style: chr13-32907114-G-GTA.
Other names: c.1501_1502dup, p.Lys502fs (NM_001406719.1, NM_001406720.1, NM_001406721.1); c.424+1949_424+1950dup (NM_001406722.1); short protein forms K502fs.
Identifiers: ClinVar variation 2583826 (VCV002583826.2), dbSNP rs2548520399, ClinGen allele CA2582341835.